The following is an entry in ClinVar:

NM_001110556.2(FLNA):c.1839G>A (p.Val613=)

Gene: FLNA (filamin A; minus strand). Cytogenetic location: Xq28.
Variant type: single nucleotide variant.
Coding change: c.1839G>A on transcript NM_001110556.2 (MANE Select); coding-DNA position 1839, G replaced by A.
Protein change: p.Val613=; no amino-acid change (valine 613 retained).
Molecular consequence: synonymous variant.
Genome position (GRCh38, 1-based): chrX:154,364,709, C>T on the plus strand (G>A on the coding strand, the complement: FLNA is on the minus strand). VCF-style: chrX-154364709-C-T. GRCh37 (hg19) VCF-style: chrX-153593077-C-T.
Other names: c.1839G>A, p.Val613= (NM_001456.4).
Identifiers: ClinVar variation 4258226 (VCV004258226.1).

ClinVar aggregate classification (germline): Uncertain significance (1 of 4 stars; one submission).

Conditions:
Familial thoracic aortic aneurysm and aortic dissection (TAAD). Also called: Thoracic aortic aneurysms and dissections. Identifiers: Orphanet 91387, MedGen C4707243, MONDO:0019625.

gnomAD v4.1: 2 of 1,210,335 alleles (0.00017%); highest among the groups gnomAD compares: African/African-American, 0.0035%; no homozygotes.

Submission:

Ambry Genetics
Classification: Uncertain significance for Familial thoracic aortic aneurysm and aortic dissection. Last evaluated: 2025-08-05. Review status: criteria provided, single submitter. Criteria: Ambry Variant Classification Scheme 2023. Collection method: clinical testing. Allele origin: germline.
Comment: The c.1839G>A variant (also known as p.V613V), located in coding exon 12 of the FLNA gene, results from a G to A substitution at nucleotide position 1839. This nucleotide substitution does not change the amino acid at codon 613. This nucleotide position is not well conserved in available vertebrate species. In silico splice site analysis predicts that this alteration may result in the creation or strengthening of a novel splice acceptor site. Based on the available evidence, the clinical significance of this variant remains unclear.